The following is an entry in ClinVar:

ClinVar aggregate classification (germline): Uncertain significance (1 of 4 stars; one submission).

Conditions:
IFT74-related disorder. Also called: IFT74-related condition; IFT74-Related Disorders.

Submission:

PreventionGenetics, part of Exact Sciences
Classification: Uncertain significance for IFT74-related condition. Last evaluated: 2024-12-18. Review status: criteria provided, single submitter. Criteria: ACMG Guidelines, 2015. Collection method: clinical testing. Allele origin: germline.
Comment: The IFT74 c.149C>A variant is predicted to result in the amino acid substitution p.Ser50Tyr. To our knowledge, this variant has not been reported in the literature or in a large population database (gnomAD), indicating this variant is rare. At this time, the clinical significance of this variant is uncertain due to the absence of conclusive functional and genetic evidence.

NM_025103.4(IFT74):c.149C>A (p.Ser50Tyr)

Gene: IFT74 (intraflagellar transport 74; plus strand). Cytogenetic location: 9p21.2.
Variant type: single nucleotide variant.
Coding change: c.149C>A on transcript NM_025103.4 (MANE Select); coding-DNA position 149, C replaced by A.
Protein change: p.Ser50Tyr; replaces serine 50 with tyrosine.
Molecular consequence: missense variant.
Genome position (GRCh38, 1-based): chr9:26,978,156, C>A. VCF-style: chr9-26978156-C-A. GRCh37 (hg19) VCF-style: chr9-26978154-C-A.
Other names: c.149C>A, p.Ser50Tyr (NM_001099222.3, NM_001099223.3, NM_001099224.3 and 1 more transcripts); short protein forms S50Y.
Identifiers: ClinVar variation 5000026 (VCV005000026.1).